The following is an entry in ClinVar:

NM_001363711.2(DUOX2):c.4330C>G (p.Leu1444Val)

Gene: DUOX2 (dual oxidase 2; minus strand). Cytogenetic location: 15q21.1.
Variant type: single nucleotide variant.
Coding change: c.4330C>G on transcript NM_001363711.2 (MANE Select); coding-DNA position 4330, C replaced by G.
Protein change: p.Leu1444Val; replaces leucine 1444 with valine.
Molecular consequence: missense variant.
Genome position (GRCh38, 1-based): chr15:45,095,001, G>C on the plus strand (C>G on the coding strand, the complement: DUOX2 is on the minus strand). VCF-style: chr15-45095001-G-C. GRCh37 (hg19) VCF-style: chr15-45387199-G-C.
Other names: c.4330C>G, p.Leu1444Val (NM_014080.5); short protein forms L1444V.
Identifiers: ClinVar variation 2013436 (VCV002013436.4), dbSNP rs2504737615, ClinGen allele CA392250537.
Genomic context (GRCh38, chr15:45,095,001, plus strand): 5'-TGGTGGTCCTGAGGTCGAACTTCTCAGCCAGCTGGGTGACATAAATGTGCACAGACACCA[G>C]GTCCTGGTGGTCGTTCTCCTCCACCTCTTGGATGATGTCAGCCAGCCACTCAAACTGACG-3'
Protein context (NP_001350640.1, residues 1434-1454): QEVEENDHQD[Leu1444Val]VSVHIYVTQL

ClinVar aggregate classification (germline): Uncertain significance (1 of 4 stars; one submission).

Submission:

Labcorp Genetics (formerly Invitae), Labcorp
Classification: Uncertain significance. Last evaluated: 2022-07-03. Review status: criteria provided, single submitter. Criteria: Invitae Variant Classification Sherloc (09022015). Collection method: clinical testing. Allele origin: germline.
Comment: In summary, the available evidence is currently insufficient to determine the role of this variant in disease. Therefore, it has been classified as a Variant of Uncertain Significance. Advanced modeling of protein sequence and biophysical properties (such as structural, functional, and spatial information, amino acid conservation, physicochemical variation, residue mobility, and thermodynamic stability) performed at Invitae indicates that this missense variant is not expected to disrupt DUOX2 protein function. This variant has not been reported in the literature in individuals affected with DUOX2-related conditions. This variant is not present in population databases (gnomAD no frequency). This sequence change replaces leucine, which is neutral and non-polar, with valine, which is neutral and non-polar, at codon 1444 of the DUOX2 protein (p.Leu1444Val).